The following is an entry in ClinVar:

NM_005591.4(MRE11):c.607C>T (p.Pro203Ser)

Gene: MRE11 (MRE11 double strand break repair nuclease; minus strand). Cytogenetic location: 11q21.
Variant type: single nucleotide variant.
Coding change: c.607C>T on transcript NM_005591.4 (MANE Select); coding-DNA position 607, C replaced by T.
Protein change: p.Pro203Ser; replaces proline 203 with serine.
Molecular consequence: missense variant.
Genome position (GRCh38, 1-based): chr11:94,476,341, G>A on the plus strand (C>T on the coding strand, the complement: MRE11 is on the minus strand). VCF-style: chr11-94476341-G-A. GRCh37 (hg19) VCF-style: chr11-94209507-G-A.
Other names: c.607C>T, p.Pro203Ser (NM_001330347.2, NM_005590.4); short protein forms P203S.
Identifiers: ClinVar variation 826171 (VCV000826171.6), dbSNP rs779246843, ClinGen allele CA6235352.

ClinVar aggregate classification (germline): Uncertain significance (1 of 4 stars; one submission).

Conditions:
Hereditary cancer-predisposing syndrome. Also called: Neoplastic Syndromes, Hereditary; Tumor predisposition; Hereditary neoplastic syndrome; Hereditary Cancer Syndrome. Identifiers: Orphanet 140162, MedGen C0027672, MeSH D009386, MONDO:0015356.

Allele frequency attached by ClinVar (database versions not stated): TOPMed below 0.00001; ExAC 0.00001; gnomAD 0.00001; gnomAD exomes 0.00001.
gnomAD v4.1: 5 of 1,613,332 alleles (0.00031%); highest among the groups gnomAD compares: East Asian, 0.011%; no homozygotes.

Submission:

Ambry Genetics
Classification: Uncertain significance for Hereditary cancer-predisposing syndrome. Last evaluated: 2025-08-11. Review status: criteria provided, single submitter. Criteria: Ambry Variant Classification Scheme 2023. Collection method: clinical testing. Allele origin: germline.
Comment: The p.P203S variant (also known as c.607C>T), located in coding exon 6 of the MRE11A gene, results from a C to T substitution at nucleotide position 607. The proline at codon 203 is replaced by serine, an amino acid with similar properties. This amino acid position is highly conserved in available vertebrate species. In addition, this alteration is predicted to be deleterious by in silico analysis. Since supporting evidence is limited at this time, the clinical significance of this alteration remains unclear.